The following is an entry in ClinVar:

NM_016507.4(CDK12):c.4057A>T (p.Thr1353Ser)

Gene: CDK12 (cyclin dependent kinase 12; plus strand). Cytogenetic location: 17q12.
Variant type: single nucleotide variant.
Coding change: c.4057A>T on transcript NM_016507.4 (MANE Select); coding-DNA position 4057, A replaced by T.
Protein change: p.Thr1353Ser; replaces threonine 1353 with serine.
Molecular consequence: missense variant.
Genome position (GRCh38, 1-based): chr17:39,530,900, A>T. VCF-style: chr17-39530900-A-T. GRCh37 (hg19) VCF-style: chr17-37687153-A-T.
Other names: c.4030A>T, p.Thr1344Ser (NM_015083.4); short protein forms T1344S, T1353S.
Identifiers: ClinVar variation 3999317 (VCV003999317.1).

ClinVar aggregate classification (germline): Uncertain significance (1 of 4 stars; one submission).

Submission:

Ambry Genetics
Classification: Uncertain significance. Last evaluated: 2025-04-04. Review status: criteria provided, single submitter. Criteria: Ambry Variant Classification Scheme 2023. Collection method: clinical testing. Allele origin: germline.
Comment: The p.T1353S variant (also known as c.4057A>T), located in coding exon 14 of the CDK12 gene, results from an A to T substitution at nucleotide position 4057. The threonine at codon 1353 is replaced by serine, an amino acid with similar properties. This amino acid position is conserved. In addition, this alteration is predicted to be tolerated by in silico analysis. Based on the available evidence, the clinical significance of this variant remains unclear.